The following is an entry in ClinVar:

NM_001035.3(RYR2):c.10192A>C (p.Met3398Leu)

Gene: RYR2 (ryanodine receptor 2; plus strand). Cytogenetic location: 1q43.
Variant type: single nucleotide variant.
Coding change: c.10192A>C on transcript NM_001035.3 (MANE Select); coding-DNA position 10192, A replaced by C.
Protein change: p.Met3398Leu; replaces methionine 3398 with leucine.
Molecular consequence: missense variant.
Genome position (GRCh38, 1-based): chr1:237,709,529, A>C. VCF-style: chr1-237709529-A-C. GRCh37 (hg19) VCF-style: chr1-237872829-A-C.
Other names: short protein forms M3398L.
Identifiers: ClinVar variation 3256645 (VCV003256645.1).

ClinVar aggregate classification (germline): Uncertain significance (1 of 4 stars; one submission).

Conditions:
Catecholaminergic polymorphic ventricular tachycardia 1. Also called: RYR2-Related Catecholaminergic Polymorphic Ventricular Tachycardia; VENTRICULAR TACHYCARDIA, CATECHOLAMINERGIC POLYMORPHIC, 1, WITH OR WITHOUT ATRIAL DYSFUNCTION AND/OR DILATED CARDIOMYOPATHY; VENTRICULAR TACHYCARDIA, STRESS-INDUCED POLYMORPHIC 1. Identifiers: Orphanet 3286, MedGen C1631597, MONDO:0011484, OMIM 604772.

Submission:

MVZ Medizinische Genetik Mainz
Classification: Uncertain significance for Catecholaminergic polymorphic ventricular tachycardia 1. Last evaluated: 2024-07-11. Review status: criteria provided, single submitter. Criteria: UK Practice Guidelines For Variant Classification V4 01 2020. Collection method: clinical testing. Allele origin: germline. Inheritance: Autosomal dominant inheritance. Affected: yes. Observed: 1 variant allele.
Comment: ACMG Criteria: PM2_SUP_MOD